The following is an entry in ClinVar:

ClinVar aggregate classification (germline): Conflicting classifications of pathogenicity. Review status: criteria provided, conflicting classifications (1 of 4 stars). 2 submissions from 2 submitters: Likely pathogenic (1); Uncertain significance (1). Last evaluated 2024-08-12.

Conditions:
Hypomyelination and Congenital Cataract (HLD5). Also called: hypomyelinating leukodystrophy 5. Identifiers: Orphanet 85163, MedGen C1864663, MONDO:0012514, OMIM 610532.

Submissions (2):

Women's Health and Genetics/Laboratory Corporation of America, LabCorp
Classification: Uncertain significance. Last evaluated: 2024-08-12. Review status: criteria provided, single submitter. Criteria: LabCorp Variant Classification Summary - May 2015. Collection method: clinical testing. Allele origin: germline.
Comment: Variant summary: FAM126A c.169T>C (p.Cys57Arg) results in a non-conservative amino acid change in the encoded protein sequence. Five of five in-silico tools predict a damaging effect of the variant on protein function. The variant was absent in 250774 control chromosomes. c.169T>C has been reported in the literature in a homozygous individual affected with Hypomyelination And Congenital Cataract (Traverso_2013). These data indicate that the variant may be associated with disease. Publications report experimental evidence evaluating an impact on protein function, finding that the patient's cells show reduced hyccin protein and PI4KIIIa complex (Traverso_2013, Li_2020). The following publications have been ascertained in the context of this evaluation (PMID: 23998934, 32148946). No submitters have cited clinical-significance assessments for this variant to ClinVar. Based on the evidence outlined above, the variant was classified as VUS-possibly pathogenic.

Molecular Diagnostics Lab, Nemours Children's Health, Delaware
Classification: Likely pathogenic for Hypomyelination and Congenital Cataract. Last evaluated: 2021-07-16. Review status: criteria provided, single submitter. Criteria: ACMG Guidelines, 2015. Collection method: clinical testing. Allele origin: unknown. Inheritance: Autosomal recessive inheritance. Affected: yes. Observed: 1 homozygote.
Comment: This missense variant (c.169T>C, p.Cys57Arg) has not been observed in population databases (gnomAD) but the change has been reported in the literature (PMID 26571211, PMID 23998934, PMID 34192786). Variant prediction programs suggest a deleterious effect, although no functional studies have been published.

Literature cited by the submitters: PubMed 32148946 (cited by Women's Health and Genetics/Laboratory Corporation of America, LabCorp); PubMed 23998934 (cited by Women's Health and Genetics/Laboratory Corporation of America, LabCorp and Molecular Diagnostics Lab, Nemours Children's Health, Delaware); PubMed 26571211 (cited by Molecular Diagnostics Lab, Nemours Children's Health, Delaware); PubMed 34192786 (cited by Molecular Diagnostics Lab, Nemours Children's Health, Delaware).

NM_032581.4(HYCC1):c.169T>C (p.Cys57Arg)

Gene: HYCC1 (hyccin PI4KA lipid kinase complex subunit 1; minus strand). Cytogenetic location: 7p15.3.
Variant type: single nucleotide variant.
Coding change: c.169T>C on transcript NM_032581.4 (MANE Select); coding-DNA position 169, T replaced by C.
Protein change: p.Cys57Arg; replaces cysteine 57 with arginine.
Molecular consequence: missense variant.
Genome position (GRCh38, 1-based): chr7:22,978,433, A>G on the plus strand (T>C on the coding strand, the complement: HYCC1 is on the minus strand). VCF-style: chr7-22978433-A-G. GRCh37 (hg19) VCF-style: chr7-23018052-A-G.
Other names: c.169T>C, p.Cys57Arg (NM_001363466.2, NM_001363467.2); short protein forms C57R.
Identifiers: ClinVar variation 3336789 (VCV003336789.3).